The following is an entry in ClinVar:

NM_020821.3(VPS13C):c.7561A>G (p.Ser2521Gly)

Gene: VPS13C (vacuolar protein sorting 13 homolog C; minus strand). Cytogenetic location: 15q22.2.
Variant type: single nucleotide variant.
Coding change: c.7561A>G on transcript NM_020821.3 (MANE Select); coding-DNA position 7561, A replaced by G.
Protein change: p.Ser2521Gly; replaces serine 2521 with glycine.
Molecular consequence: missense variant.
Genome position (GRCh38, 1-based): chr15:61,919,366, T>C on the plus strand (A>G on the coding strand, the complement: VPS13C is on the minus strand). VCF-style: chr15-61919366-T-C. GRCh37 (hg19) VCF-style: chr15-62211565-T-C.
Other names: c.7561A>G, p.Ser2521Gly (NM_001018088.3); c.7432A>G, p.Ser2478Gly (NM_017684.5, NM_018080.4); short protein forms S2478G, S2521G.
Identifiers: ClinVar variation 1943977 (VCV001943977.5), dbSNP rs769177097, ClinGen allele CA392682339.

ClinVar aggregate classification (germline): Uncertain significance (1 of 4 stars; one submission).

Allele frequency attached by ClinVar (database versions not stated): TOPMed 0.00001.
gnomAD v4.1: 3 of 1,605,208 alleles (0.00019%); highest among the groups gnomAD compares: Non-Finnish European, 0.00026%; no homozygotes.

Submission:

Labcorp Genetics (formerly Invitae), Labcorp
Classification: Uncertain significance. Last evaluated: 2022-06-30. Review status: criteria provided, single submitter. Criteria: Invitae Variant Classification Sherloc (09022015). Collection method: clinical testing. Allele origin: germline.
Comment: This sequence change replaces serine, which is neutral and polar, with glycine, which is neutral and non-polar, at codon 2521 of the VPS13C protein (p.Ser2521Gly). This variant is not present in population databases (gnomAD no frequency). This variant has not been reported in the literature in individuals affected with VPS13C-related conditions. Algorithms developed to predict the effect of missense changes on protein structure and function (SIFT, PolyPhen-2, Align-GVGD) all suggest that this variant is likely to be tolerated. In summary, the available evidence is currently insufficient to determine the role of this variant in disease. Therefore, it has been classified as a Variant of Uncertain Significance.